The following is an entry in ClinVar:

NM_016222.4(DDX41):c.1674G>C (p.Lys558Asn)

Gene: DDX41 (DEAD-box helicase 41; minus strand). Cytogenetic location: 5q35.3.
Variant type: single nucleotide variant.
Coding change: c.1674G>C on transcript NM_016222.4 (MANE Select); coding-DNA position 1674, G replaced by C.
Protein change: p.Lys558Asn; replaces lysine 558 with asparagine.
Molecular consequence: missense variant.
Genome position (GRCh38, 1-based): chr5:177,512,154, C>G on the plus strand (G>C on the coding strand, the complement: DDX41 is on the minus strand). VCF-style: chr5-177512154-C-G. GRCh37 (hg19) VCF-style: chr5-176939155-C-G.
Other names: c.1296G>C, p.Lys432Asn (NM_001321732.2, NM_001321830.2); short protein forms K432N, K558N.
Identifiers: ClinVar variation 3683284 (VCV003683284.2).
Genomic context (GRCh38, chr5:177,512,154, plus strand): 5'-ACCTCCAATGTCCAGCATGGACTCATCCCCGCAATGCAGCACCTGCAGCACGGGCGGCAC[C>G]TTCTGCTTGGCTTCTAGCAGCAGCGCTTTGAGGTCCATCAGCACTGACTCATCTGGGGGA-3'
Protein context (NP_057306.2, residues 548-568): LKALLLEAKQ[Lys558Asn]VPPVLQVLHC

ClinVar aggregate classification (germline): Uncertain significance (1 of 4 stars; one submission).

Submission:

Labcorp Genetics (formerly Invitae), Labcorp
Classification: Uncertain significance. Last evaluated: 2024-12-07. Review status: criteria provided, single submitter. Criteria: Invitae Variant Classification Sherloc (09022015). Collection method: clinical testing. Allele origin: germline.
Comment: This sequence change replaces lysine, which is basic and polar, with asparagine, which is neutral and polar, at codon 558 of the DDX41 protein (p.Lys558Asn). This variant is not present in population databases (gnomAD no frequency). This variant has not been reported in the literature in individuals affected with DDX41-related conditions. An algorithm developed to predict the effect of missense changes on protein structure and function (PolyPhen-2) suggests that this variant is likely to be tolerated. In summary, the available evidence is currently insufficient to determine the role of this variant in disease. Therefore, it has been classified as a Variant of Uncertain Significance.